The following is an entry in ClinVar:

NM_000455.5(STK11):c.*317C>G

Gene: STK11 (serine/threonine kinase 11; plus strand). Cytogenetic location: 19p13.3.
Variant type: single nucleotide variant.
Coding change: c.*317C>G on transcript NM_000455.5 (MANE Select); 317 bases downstream of the stop codon, C replaced by G.
Molecular consequence: 3 prime UTR variant.
Genome position (GRCh38, 1-based): chr19:1,227,893, C>G. VCF-style: chr19-1227893-C-G. GRCh37 (hg19) VCF-style: chr19-1227892-C-G.
Identifiers: ClinVar variation 328236 (VCV000328236.7), dbSNP rs550127419, ClinGen allele CA10642298.

ClinVar aggregate classification (germline): Benign/Likely benign. Review status: criteria provided, multiple submitters, no conflicts (2 of 4 stars). 2 submissions from 2 submitters: Benign (1); Likely benign (1). Last evaluated 2026-06-01.

Conditions:
Peutz-Jeghers syndrome (PJS). Also called: POLYPOSIS, HAMARTOMATOUS INTESTINAL; POLYPS-AND-SPOTS SYNDROME; Peutz-Jeghers polyposis; Periorificial lentiginosis syndrome. Identifiers: Orphanet 2869, MedGen C0031269, MeSH D010580, MONDO:0008280, OMIM 175200.

Allele frequency attached by ClinVar (database versions not stated): 1000 Genomes Project 30x 0.00109; gnomAD 0.00115; TOPMed 0.00115; 1000 Genomes Project 0.00140.
gnomAD v4.1: 237 of 1,069,310 alleles (0.022%); highest among the groups gnomAD compares: African/African-American, 0.36%; 1 homozygote.

Submissions (2):

CeGaT Center for Human Genetics Tuebingen
Classification: Likely benign. Last evaluated: 2026-06-01. Review status: criteria provided, single submitter. Criteria: CeGaT Center For Human Genetics Tuebingen Variant Classification Criteria Version 2. Collection method: clinical testing. Allele origin: germline. Affected: yes. Observed: 2 variant alleles.
Comment: STK11: BP4, BP7

Illumina Laboratory Services, Illumina
Classification: Benign for Peutz-Jeghers syndrome. Last evaluated: 2018-01-13. Review status: criteria provided, single submitter. Criteria: ICSL Variant Classification Criteria 13 December 2019. Collection method: clinical testing. Allele origin: germline.
Comment: This variant was observed in the ICSL laboratory as part of a predisposition screen in an ostensibly healthy population. It had not been previously curated by ICSL or reported in the Human Gene Mutation Database (HGMD: prior to June 1st, 2018), and was therefore a candidate for classification through an automated scoring system. Utilizing variant allele frequency, disease prevalence and penetrance estimates, and inheritance mode, an automated score was calculated to assess if this variant is too frequent to cause the disease. Based on the score and internal cut-off values, a variant classified as benign is not then subjected to further curation. The score for this variant resulted in a classification of benign for this disease.